The following is an entry in ClinVar:

ClinVar aggregate classification (germline): Uncertain significance (1 of 4 stars; one submission).

Conditions:
Hypertrophic cardiomyopathy. Also called: HYPERTROPHIC MYOCARDIOPATHY. Identifiers: Orphanet 217569, MedGen C0007194, MeSH D002312, MONDO:0005045, HP:0001639.

Submission:

Labcorp Genetics (formerly Invitae), Labcorp
Classification: Uncertain significance for Hypertrophic cardiomyopathy. Last evaluated: 2024-04-26. Review status: criteria provided, single submitter. Criteria: Invitae Variant Classification Sherloc (09022015). Collection method: clinical testing. Allele origin: germline.
Comment: This sequence change replaces glutamic acid, which is acidic and polar, with valine, which is neutral and non-polar, at codon 1914 of the MYH7 protein (p.Glu1914Val). This variant is not present in population databases (gnomAD no frequency). This variant has not been reported in the literature in individuals affected with MYH7-related conditions. Advanced modeling of protein sequence and biophysical properties (such as structural, functional, and spatial information, amino acid conservation, physicochemical variation, residue mobility, and thermodynamic stability) performed at Invitae indicates that this missense variant is expected to disrupt MYH7 protein function with a positive predictive value of 95%. This variant disrupts the p.Glu1914 amino acid residue in MYH7. Other variant(s) that disrupt this residue have been determined to be pathogenic (PMID: 22464770, 24664454, 27532257, 28855170). This suggests that this residue is clinically significant, and that variants that disrupt this residue are likely to be disease-causing. In summary, the available evidence is currently insufficient to determine the role of this variant in disease. Therefore, it has been classified as a Variant of Uncertain Significance.

Literature cited by the submitters: PubMed 22464770; PubMed 24664454; PubMed 27532257; PubMed 28855170.

NM_000257.4(MYH7):c.5741A>T (p.Glu1914Val)

Gene: MYH7 (myosin heavy chain 7; minus strand). Cytogenetic location: 14q11.2.
Variant type: single nucleotide variant.
Coding change: c.5741A>T on transcript NM_000257.4 (MANE Select); coding-DNA position 5741, A replaced by T.
Protein change: p.Glu1914Val; replaces glutamic acid 1914 with valine.
Molecular consequence: missense variant.
Genome position (GRCh38, 1-based): chr14:23,413,808, T>A on the plus strand (A>T on the coding strand, the complement: MYH7 is on the minus strand). VCF-style: chr14-23413808-T-A. GRCh37 (hg19) VCF-style: chr14-23883017-T-A.
Other names: c.5741A>T, p.Glu1914Val (NM_001407004.1); short protein forms E1914V.
Identifiers: ClinVar variation 3637019 (VCV003637019.2).